The following is an entry in ClinVar:

NM_001377265.1(MAPT):c.2064T>C (p.Asn688=)

Gene: MAPT (microtubule associated protein tau). Cytogenetic location: 17q21.31.
Variant type: single nucleotide variant.
Coding change: c.2064T>C on transcript NM_001377265.1 (MANE Select); coding-DNA position 2064, T replaced by C.
Protein change: p.Asn688=; no amino-acid change (asparagine 688 retained).
Molecular consequence: synonymous variant. On other transcripts: intron variant (6).
Genome position (GRCh38, 1-based): chr17:46,010,375, T>C. VCF-style: chr17-46010375-T-C. GRCh37 (hg19) VCF-style: chr17-44087741-T-C.
Other names: N296N; c.1893T>C, p.Asn631= (NM_001123066.4); c.801T>C, p.Asn267= (NM_001123067.4); c.888T>C, p.Asn296= (NM_005910.6); c.714T>C, p.Asn238= (NM_016834.5); c.1839T>C, p.Asn613= (NM_016835.5); c.649-3868T>C (NM_001377268.1, NM_016841.5); c.823-3868T>C (NM_001203252.2); and 3 more.
Identifiers: ClinVar variation 14257 (VCV000014257.7), dbSNP rs63750912, ClinGen allele CA225434.

ClinVar aggregate classification (germline): Pathogenic. Review status: criteria provided, multiple submitters, no conflicts (2 of 4 stars). 5 submissions from 5 submitters: Pathogenic (3). 2 of the submissions do not count toward it. Last evaluated 2025-12-18.

Conditions:
Frontotemporal dementia (FTD1). Also called: Frontotemporal lobe dementia (FLDEM); FRONTOTEMPORAL DEMENTIA WITH PARKINSONISM; FRONTOTEMPORAL LOBE DEMENTIA; WILHELMSEN-LYNCH DISEASE; FRONTOTEMPORAL LOBAR DEGENERATION WITH TAU INCLUSIONS; FTLD WITH TAU INCLUSIONS. Identifiers: Orphanet 282, MedGen C0338451, MONDO:0017276, OMIM 600274, HP:0002145.

Submissions (5):

Labcorp Genetics (formerly Invitae), Labcorp
Classification: Pathogenic for Frontotemporal dementia. Last evaluated: 2025-12-18. Review status: criteria provided, single submitter. Criteria: Invitae Variant Classification Sherloc (09022015). Collection method: clinical testing. Allele origin: germline.
Comment: This sequence change affects codon 296 of the MAPT mRNA. It is a 'silent' change, meaning that it does not change the encoded amino acid sequence of the MAPT protein. This variant is not present in population databases (gnomAD no frequency). This variant has been observed in individuals with frontotemporal dementia (PMID: 11117553, 22818528, 38872230; internal data). ClinVar contains an entry for this variant (Variation ID: 14257). Studies have shown that this variant alters MAPT gene expression (PMID: 11117553, 11911984). Algorithms developed to predict the effect of sequence changes on RNA splicing suggest that this variant is not likely to affect RNA splicing. For these reasons, this variant has been classified as Pathogenic.

Victorian Clinical Genetics Services, Murdoch Childrens Research Institute
Classification: Pathogenic for Frontotemporal dementia. Last evaluated: 2023-07-17. Review status: criteria provided, single submitter. Criteria: ACMG Guidelines, 2015. Collection method: clinical testing. Allele origin: germline. Inheritance: Autosomal dominant inheritance. Affected: yes.
Comment: Based on the classification scheme VCGS_Germline_v1.3.4, this variant is classified as Pathogenic. Following criteria are met: 0103 - Loss of function and gain of function are known mechanisms of disease in this gene and are associated with frontotemporal dementia, with or without parkinsonism (MIM#600274), Pick disease (MIM#172700), progressive supranuclear palsy (MIM#601104). (I) 0107 - This gene is associated with autosomal dominant disease. (I) 0115 - Variants in this gene are known to have variable expressivity. Interfamilial and intrafamilial phenotypic heterogeneity have been described (PMID: 23727082). (I) 0210 - Splice site variant proven to affect splicing of the transcript with a known effect. This synonymous variant has been shown to result in increased exon 10 inclusion (referring to the MANE transcript NM_001377265.1). This has been associated with increased expression of 4R tau isoforms, thereby disrupting the 3R:4R tau ratio which is crucial for proper functioning of tau (PMIDs: 11117553). (SP) 0251 - This variant is heterozygous. (I) 0301 - Variant is absent from gnomAD (both v2 and v3). (SP) 0702 - Other variants comparable to the one identified in this case have strong previous evidence for pathogenicity. Multiple variants within this same intron and exon junction, such as +3, +15 and +16, have been shown to result in increased exon 10 inclusion similar to this synonymous variant (PMIDs: 11117553, 26136155, 26297556). (SP) 0801 - This variant has strong previous evidence of pathogenicity in unrelated individuals. It has been regarded as likely pathogenic and pathogenic by clinical laboratories (LOVD, ClinVar) and has been detected in individuals with frontotemporal dementia (PMIDs: 11117553, 34305575) and progressive supranuclear palsy (PMID: 22818528). (SP) 1208 - Inheritance information for this variant is not currently available in this individual. (I) Legend: (SP) - Supporting pathogenic, (I) - Information, (SB) - Supporting benign

Mendelics
Classification: Pathogenic for Frontotemporal dementia. Last evaluated: 2019-05-28. Review status: criteria provided, single submitter. Criteria: Mendelics Assertion Criteria 2017. Collection method: clinical testing. Allele origin: unknown.

OMIM
Classification: Pathogenic for FRONTOTEMPORAL DEMENTIA 1. Last evaluated: 2000-12-01. Review status: no assertion criteria provided. Collection method: literature only. Allele origin: germline. Not counted in ClinVar's aggregate classification.

VIB  Department of Molecular Genetics, University of Antwerp
No classification provided. Review status: no classification provided. Collection method: not provided. Allele origin: not provided. Not counted in ClinVar's aggregate classification.

Literature cited by the submitters: PubMed 11117553 (cited by 3 submitters); PubMed 22818528 (cited by Labcorp Genetics (formerly Invitae), Labcorp and Victorian Clinical Genetics Services, Murdoch Childrens Research Institute); PubMed 38872230 (cited by Labcorp Genetics (formerly Invitae), Labcorp); PubMed 11911984 (cited by Labcorp Genetics (formerly Invitae), Labcorp); PubMed 23727082 (cited by Victorian Clinical Genetics Services, Murdoch Childrens Research Institute); PubMed 26136155 (cited by Victorian Clinical Genetics Services, Murdoch Childrens Research Institute); PubMed 26297556 (cited by Victorian Clinical Genetics Services, Murdoch Childrens Research Institute); PubMed 34305575 (cited by Victorian Clinical Genetics Services, Murdoch Childrens Research Institute); PubMed 8926492 (cited by OMIM).